The following is an entry in ClinVar:

ClinVar aggregate classification (germline): Uncertain significance. Review status: criteria provided, multiple submitters, no conflicts (2 of 4 stars). 2 submissions from 2 submitters: Uncertain significance (2). Last evaluated 2024-06-03.

Conditions:
Alagille syndrome due to a NOTCH2 point mutation. Also called: Alagille syndrome 2. Identifiers: Orphanet 261629, Orphanet 52, MedGen C1857761, MONDO:0012439, OMIM 610205.
Hajdu-Cheney syndrome (HJCYS). Also called: ACROOSTEOLYSIS WITH OSTEOPOROSIS AND CHANGES IN SKULL AND MANDIBLE; SERPENTINE FIBULA-POLYCYSTIC KIDNEY SYNDROME; Acroosteolysis dominant type. Identifiers: Orphanet 955, MedGen C0917715, MONDO:0007057, OMIM 102500.

Allele frequency attached by ClinVar (database versions not stated): ExAC 0.00001; gnomAD 0.00001.
gnomAD v4.1: 2 of 1,612,296 alleles (0.00012%); highest among the groups gnomAD compares: East Asian, 0.0045%; no homozygotes.

Submissions (2):

Labcorp Genetics (formerly Invitae), Labcorp
Classification: Uncertain significance for Hajdu-Cheney syndrome. Last evaluated: 2024-06-03. Review status: criteria provided, single submitter. Criteria: Invitae Variant Classification Sherloc (09022015). Collection method: clinical testing. Allele origin: germline.
Comment: This sequence change replaces proline, which is neutral and non-polar, with alanine, which is neutral and non-polar, at codon 1673 of the NOTCH2 protein (p.Pro1673Ala). This variant is present in population databases (rs764772186, gnomAD 0.006%). This variant has not been reported in the literature in individuals affected with NOTCH2-related conditions. Advanced modeling of protein sequence and biophysical properties (such as structural, functional, and spatial information, amino acid conservation, physicochemical variation, residue mobility, and thermodynamic stability) performed at Invitae indicates that this missense variant is not expected to disrupt NOTCH2 protein function with a negative predictive value of 80%. In summary, the available evidence is currently insufficient to determine the role of this variant in disease. Therefore, it has been classified as a Variant of Uncertain Significance.

Fulgent Genetics
Classification: Uncertain significance for Hajdu-Cheney syndrome; Alagille syndrome due to a NOTCH2 point mutation. Last evaluated: 2024-04-26. Review status: criteria provided, single submitter. Criteria: ACMG Guidelines, 2015. Collection method: clinical testing. Allele origin: germline.

NM_024408.4(NOTCH2):c.5017C>G (p.Pro1673Ala)

Gene: NOTCH2 (notch receptor 2; minus strand). Cytogenetic location: 1p12.
Variant type: single nucleotide variant.
Coding change: c.5017C>G on transcript NM_024408.4 (MANE Select); coding-DNA position 5017, C replaced by G.
Protein change: p.Pro1673Ala; replaces proline 1673 with alanine.
Molecular consequence: missense variant.
Genome position (GRCh38, 1-based): chr1:119,922,432, G>C on the plus strand (C>G on the coding strand, the complement: NOTCH2 is on the minus strand). VCF-style: chr1-119922432-G-C. GRCh37 (hg19) VCF-style: chr1-120465055-G-C.
Other names: short protein forms P1673A.
Identifiers: ClinVar variation 2919395 (VCV002919395.4), dbSNP rs764772186, ClinGen allele CA1039733.